The following is an entry in ClinVar:

NM_004947.5(DOCK3):c.642del (p.His215fs)

Gene: DOCK3 (dedicator of cytokinesis 3; plus strand). Cytogenetic location: 3p21.2.
Variant type: Deletion.
Coding change: c.642del on transcript NM_004947.5 (MANE Select); coding-DNA position 642, one base deleted (A; older notation c.642delA).
Protein change: p.His215fs; shifts the reading frame from histidine 215.
Molecular consequence: frameshift variant.
Genome position (GRCh38, 1-based): chr3:51,090,280, A deleted. VCF-style (leftmost placement, unchanged base first): chr3-51090279-CA-C. GRCh37 (hg19) VCF-style: chr3-51127710-CA-C.
Other names: short protein forms H215fs.
Identifiers: ClinVar variation 4983263 (VCV004983263.1).

ClinVar aggregate classification (germline): Likely pathogenic (1 of 4 stars; one submission).

Conditions:
DOCK3-related disorder. Also called: DOCK3-related condition.

Submission:

PreventionGenetics, part of Exact Sciences
Classification: Likely pathogenic for DOCK3-related condition. Last evaluated: 2026-07-15. Review status: criteria provided, single submitter. Criteria: ACMG Guidelines, 2015. Collection method: clinical testing. Allele origin: germline.
Comment: The DOCK3 c.642delA variant is predicted to result in a frameshift and premature protein termination (p.His215Ilefs*7). To our knowledge, this variant has not been reported in the literature or in a large population database (gnomAD), indicating this variant is rare. Frameshift variants in DOCK3 are expected to be pathogenic. This variant is interpreted as likely pathogenic.